The following is an entry in ClinVar:

NM_173598.6(KSR2):c.2527G>A (p.Asp843Asn)

Gene: KSR2 (kinase suppressor of ras 2; minus strand). Cytogenetic location: 12q24.22.
Variant type: single nucleotide variant.
Coding change: c.2527G>A on transcript NM_173598.6 (MANE Select); coding-DNA position 2527, G replaced by A.
Protein change: p.Asp843Asn; replaces aspartic acid 843 with asparagine.
Molecular consequence: missense variant.
Genome position (GRCh38, 1-based): chr12:117,476,519, C>T on the plus strand (G>A on the coding strand, the complement: KSR2 is on the minus strand). VCF-style: chr12-117476519-C-T. GRCh37 (hg19) VCF-style: chr12-117914324-C-T.
Other names: short protein forms D843N.
Identifiers: ClinVar variation 3052667 (VCV003052667.3), dbSNP rs368010274, ClinGen allele CA6815692.
Genomic context (GRCh38, chr12:117,476,519, plus strand): 5'-CTTACCCAAGGGCAAAGACGTCAGAGTGCTTGGAGAAGGGGAGCTTATCCTCCTCTGTGT[C>T]GGGGGACAGCTGGCGGATGATCTCTGGTGCCAGGTGGCATAGCCAGCCATTCTGGATGCG-3'
Protein context (NP_775869.4, residues 833-853): APEIIRQLSP[Asp843Asn]TEEDKLPFSK

ClinVar aggregate classification (germline): Uncertain significance (1 of 4 stars; one submission).

Conditions:
KSR2-related disorder. Also called: KSR2-related condition.

Allele frequency attached by ClinVar (database versions not stated): ExAC 0.00007; ESP Exome Variant Server 0.00008.
gnomAD v4.1: 76 of 1,608,708 alleles (0.0047%); highest among the groups gnomAD compares: Admixed American, 0.0084%; no homozygotes.

Submission:

PreventionGenetics, part of Exact Sciences
Classification: Uncertain significance for KSR2-related condition. Last evaluated: 2025-06-18. Review status: criteria provided, single submitter. Criteria: ACMG Guidelines, 2015. Collection method: clinical testing. Allele origin: germline.
Comment: The KSR2 c.2440G>A variant is predicted to result in the amino acid substitution p.Asp814Asn. This variant was previously reported in one patient with severe early-onset obesity; however, no additional information was available to help clarify the pathogenicity of this variant (Pearce et al. 2013. PubMed ID: 24209692, reported as D843N). This variant is reported in 0.012% of alleles in individuals of Latino descent in gnomAD. At this time, the clinical significance of this variant is uncertain due to the absence of conclusive functional and genetic evidence.